The following is an entry in ClinVar:

NM_006739.4(MCM5):c.340C>T (p.Arg114Trp)

Gene: MCM5 (minichromosome maintenance complex component 5; plus strand). Cytogenetic location: 22q12.3.
Variant type: single nucleotide variant.
Coding change: c.340C>T on transcript NM_006739.4 (MANE Select); coding-DNA position 340, C replaced by T.
Protein change: p.Arg114Trp; replaces arginine 114 with tryptophan.
Molecular consequence: missense variant.
Genome position (GRCh38, 1-based): chr22:35,403,459, C>T. VCF-style: chr22-35403459-C-T. GRCh37 (hg19) VCF-style: chr22-35799452-C-T.
Other names: short protein forms R114W.
Identifiers: ClinVar variation 4695781 (VCV004695781.1).

ClinVar aggregate classification (germline): Uncertain significance (1 of 4 stars; one submission).

Submission:

Labcorp Genetics (formerly Invitae), Labcorp
Classification: Uncertain significance. Last evaluated: 2025-12-30. Review status: criteria provided, single submitter. Criteria: Invitae Variant Classification Sherloc (09022015). Collection method: clinical testing. Allele origin: germline.
Comment: This sequence change replaces arginine, which is basic and polar, with tryptophan, which is neutral and slightly polar, at codon 114 of the MCM5 protein (p.Arg114Trp). This variant is present in population databases (rs755216836, gnomAD 0.005%). This variant has not been reported in the literature in individuals affected with MCM5-related conditions. An algorithm developed to predict the effect of missense changes on protein structure and function (PolyPhen-2) suggests that this variant is likely to be disruptive. In summary, the available evidence is currently insufficient to determine the role of this variant in disease. Therefore, it has been classified as a Variant of Uncertain Significance.